The following is an entry in ClinVar:

NM_001365480.1(CCDC88A):c.2101G>A (p.Glu701Lys)

Gene: CCDC88A (coiled-coil domain containing 88A; minus strand). Cytogenetic location: 2p16.1.
Variant type: single nucleotide variant.
Coding change: c.2101G>A on transcript NM_001365480.1 (MANE Select); coding-DNA position 2101, G replaced by A.
Protein change: p.Glu701Lys; replaces glutamic acid 701 with lysine.
Molecular consequence: missense variant.
Genome position (GRCh38, 1-based): chr2:55,334,720, C>T on the plus strand (G>A on the coding strand, the complement: CCDC88A is on the minus strand). VCF-style: chr2-55334720-C-T. GRCh37 (hg19) VCF-style: chr2-55561856-C-T.
Other names: c.2101G>A, p.Glu701Lys (NM_001135597.2, NM_001254943.2, NM_018084.5); short protein forms E701K.
Identifiers: ClinVar variation 1461480 (VCV001461480.5), dbSNP rs1262465108, ClinGen allele CA346900848.

ClinVar aggregate classification (germline): Uncertain significance (1 of 4 stars; one submission).

Allele frequency attached by ClinVar (database versions not stated): gnomAD exomes below 0.00001; TOPMed 0.00001.
gnomAD v4.1: 1 of 1,613,078 alleles (0.000062%); highest among the groups gnomAD compares: Admixed American, 0.0017%; no homozygotes.

Submission:

Labcorp Genetics (formerly Invitae), Labcorp
Classification: Uncertain significance. Last evaluated: 2021-08-30. Review status: criteria provided, single submitter. Criteria: Invitae Variant Classification Sherloc (09022015). Collection method: clinical testing. Allele origin: germline.
Comment: This sequence change replaces glutamic acid with lysine at codon 701 of the CCDC88A protein (p.Glu701Lys). The glutamic acid residue is moderately conserved and there is a small physicochemical difference between glutamic acid and lysine. This variant is not present in population databases (ExAC no frequency). This variant has not been reported in the literature in individuals affected with CCDC88A-related conditions. Algorithms developed to predict the effect of missense changes on protein structure and function are either unavailable or do not agree on the potential impact of this missense change (SIFT: "Deleterious"; PolyPhen-2: "Benign"; Align-GVGD: "Class C0"). In summary, the available evidence is currently insufficient to determine the role of this variant in disease. Therefore, it has been classified as a Variant of Uncertain Significance.